The following is an entry in ClinVar:

NM_001845.6(COL4A1):c.4546C>T (p.Arg1516Ter)

Gene: COL4A1 (collagen type IV alpha 1 chain; minus strand). Cytogenetic location: 13q34.
Variant type: single nucleotide variant.
Coding change: c.4546C>T on transcript NM_001845.6 (MANE Select); coding-DNA position 4546, C replaced by T.
Protein change: p.Arg1516Ter; replaces arginine 1516 with a stop codon.
Molecular consequence: nonsense.
Genome position (GRCh38, 1-based): chr13:110,161,286, G>A on the plus strand (C>T on the coding strand, the complement: COL4A1 is on the minus strand). VCF-style: chr13-110161286-G-A. GRCh37 (hg19) VCF-style: chr13-110813633-G-A.
Other names: short protein forms R1516*.
Identifiers: ClinVar variation 1328516 (VCV001328516.8), dbSNP rs1594535661, ClinGen allele CA388657357.
Genomic context (GRCh38, chr13:110,161,286, plus strand): 5'-TGGGTGCCATTGACATGGGCATGGGCTCAGGGGTGGACAGCCAGTACGAGTAGTCATTTC[G>A]TGATGCAAAGTTGCACACGTTGTTAATATTGCAGAACAGGAAGGGCATTGTGCTGAACTT-3'

ClinVar aggregate classification (germline): Pathogenic/Likely pathogenic. Review status: criteria provided, multiple submitters, no conflicts (2 of 4 stars). 4 submissions from 4 submitters: Pathogenic (1); Likely pathogenic (3). Last evaluated 2024-05-25.

Conditions:
Brain small vessel disease 1 with or without ocular anomalies (BSVD1). Also called: PORENCEPHALY, TYPE 1, AUTOSOMAL DOMINANT; BRAIN SMALL VESSEL DISEASE WITH HEMORRHAGE; GOULD SYNDROME 1; Brain small vessel disease with or without ocular anomalies. Identifiers: Orphanet 2940, Orphanet 36383, Orphanet 99810, MedGen C4755307, MONDO:0008289, OMIM 175780.
Retinal arterial tortuosity. Also called: RETINAL HEMORRHAGE WITH VASCULAR TORTUOSITY; Retinal arteries, tortuosity of. Identifiers: Orphanet 75326, MedGen C0423401, MONDO:0008373, OMIM 180000, HP:0000631.
Microangiopathy and leukoencephalopathy, pontine, autosomal dominant. Also called: Pontine autosomal dominant microangiopathy with leukoencephalopathy; DEMENTIA, HEREDITARY MULTI-INFARCT, SWEDISH TYPE. Identifiers: Orphanet 477749, MedGen C5231411, MONDO:0032814, OMIM 618564.
Autosomal dominant familial hematuria-retinal arteriolar tortuosity-contractures syndrome. Also called: Angiopathy, hereditary, with nephropathy, aneurysms, and muscle cramps; Hereditary Angiopathy with Nephropathy, Aneurysms, and Muscle Cramps (HANAC) Syndrome. Identifiers: Orphanet 73229, MedGen C2673195, MONDO:0012726, OMIM 611773.
Hemorrhage, intracerebral, susceptibility to (ICH). Also called: Stroke, hemorrhagic, susceptibility to. Identifiers: MedGen C3281105, MONDO:0100533, OMIM 614519.

Allele frequency attached by ClinVar (database versions not stated): gnomAD exomes below 0.00001.
gnomAD v4.1: 1 of 1,614,208 alleles (0.000062%); highest among the groups gnomAD compares: Non-Finnish European, 0.000085%; no homozygotes.

Submissions (4):

Fulgent Genetics
Classification: Likely pathogenic for Brain small vessel disease 1 with or without ocular anomalies; Retinal arterial tortuosity; Autosomal dominant familial hematuria-retinal arteriolar tortuosity-contractures syndrome; Hemorrhage, intracerebral, susceptibility to; Microangiopathy and leukoencephalopathy, pontine, autosomal dominant. Last evaluated: 2024-05-25. Review status: criteria provided, single submitter. Criteria: ACMG Guidelines, 2015. Collection method: clinical testing. Allele origin: germline.

Mendelics
Classification: Pathogenic for Brain small vessel disease 1 with or without ocular anomalies. Last evaluated: 2022-05-04. Review status: criteria provided, single submitter. Criteria: Mendelics Assertion Criteria 2019. Collection method: clinical testing. Allele origin: germline.

Illumina Laboratory Services, Illumina
Classification: Likely pathogenic for Brain small vessel disease 1 with or without ocular anomalies. Last evaluated: 2021-09-02. Review status: criteria provided, single submitter. Criteria: ICSLVariantClassificationCriteria RUGD 01 April 2020. Collection method: clinical testing. Allele origin: unknown.
Comment: The COL4A1 c.4546C>T (p.Arg1516Ter) variant is a stop-gained variant that is predicted to result in premature termination of the protein. This variant is not found in the Genome Aggregation Database version 2.1.1 or version3.1.1 in a region of good sequence coverage, so the variant is presumed to be rare. Based on the predicted truncating nature of this variant, its rarity, and identification in a de novo state, the p.Arg1516Ter variant is classified as likely pathogenic for COL4A1-related disorders.

Laboratorio de Genetica e Diagnostico Molecular, Hospital Israelita Albert Einstein
Classification: Likely pathogenic. Last evaluated: 2021-02-18. Review status: criteria provided, single submitter. Criteria: ACMG Guidelines, 2015. Collection method: clinical testing. Allele origin: germline. Affected: yes.
Comment: ACMG classification criteria: PVS1, PM2

Literature cited by the submitters: PubMed 29927466 (cited by Illumina Laboratory Services, Illumina).